The following is an entry in ClinVar:

ClinVar aggregate classification (germline): Pathogenic/Likely pathogenic. Review status: criteria provided, multiple submitters, no conflicts (2 of 4 stars). 8 submissions from 8 submitters: Pathogenic (1); Likely pathogenic (5). 2 of the submissions do not count toward it. Last evaluated 2025-09-12.

Conditions:
Muscular dystrophy-dystroglycanopathy (congenital with brain and eye anomalies), type A3. Also called: Congenital muscular dystrophy-dystroglycanopathy with brain and eye anomalies, type A3; Muscular dystrophy-dystroglycanopathy (congenital with brain and eye anomalies), type A, 3; WALKER-WARBURG SYNDROME OR MUSCLE-EYE-BRAIN DISEASE, POMGNT1-RELATED. Identifiers: MedGen C3151519, MONDO:0009667, OMIM 253280.
Autosomal recessive limb-girdle muscular dystrophy. Identifiers: Orphanet 102015, MedGen C2931907, MONDO:0015152.
Muscle eye brain disease (MEB). Also called: Santavuori congenital muscular dystrophy. Identifiers: Orphanet 588, Orphanet 899, MedGen C0457133, MONDO:0018939.
POMGNT1-related disorder. Also called: POMGNT1-related condition; POMGNT1-related disorders. Identifiers: MedGen CN239299.
Muscular dystrophy-dystroglycanopathy (congenital with impaired intellectual development), type B, 3. Also called: Muscular dystrophy-dystroglycanopathy (congenital with intellectual disability), type B3; MUSCULAR DYSTROPHY, CONGENITAL, POMGNT1-RELATED. Identifiers: MedGen C3150412, MONDO:0013155, OMIM 613151.
Autosomal recessive limb-girdle muscular dystrophy type 2O. Also called: Limb-Girdle Muscular Dystrophy Type 3C; MUSCULAR DYSTROPHY-DYSTROGLYCANOPATHY (LIMB-GIRDLE), TYPE C, 3; MUSCULAR DYSTROPHY-DYSTROGLYCANOPATHY, LIMB-GIRDLE, POMGNT1-RELATED. Identifiers: Orphanet 206564, MedGen C3150417, MONDO:0013161, OMIM 613157.

gnomAD v4.1: 1 of 1,614,014 alleles (0.000062%); highest among the groups gnomAD compares: African/African-American, 0.0013%; no homozygotes.

Submissions (8):

Natera, Inc.
Classification: Likely pathogenic for Muscle-eye-brain disease. Last evaluated: 2025-09-12. Review status: criteria provided, single submitter. Criteria: Natera Variant Classification Schema (03/2026). Collection method: clinical testing. Allele origin: germline.
Comment: The c.880-1G>A variant in POMGNT1 is a canonical splice acceptor site variant predicted to affect pre-mRNA splicing, which may result in an abnormal transcript and altered protein product. This variant is expected to result in nonsense mediated decay, truncation, or a dysfunctional protein product. This variant is rare in the general population with a frequency below the threshold expected for the associated phenotype(s). Given the available evidence, this variant is classified as Likely Pathogenic.

Labcorp Genetics (formerly Invitae), Labcorp
Classification: Likely pathogenic for Autosomal recessive limb-girdle muscular dystrophy type 2O; Muscular dystrophy-dystroglycanopathy (congenital with impaired intellectual development), type B, 3. Last evaluated: 2025-07-07. Review status: criteria provided, single submitter. Criteria: Invitae Variant Classification Sherloc (09022015). Collection method: clinical testing. Allele origin: germline.
Comment: This sequence change affects an acceptor splice site in intron 9 of the POMGNT1 gene. It is expected to disrupt RNA splicing. Variants that disrupt the donor or acceptor splice site typically lead to a loss of protein function (PMID: 16199547), and loss-of-function variants in POMGNT1 are known to be pathogenic (PMID: 19299310, 20816175, 21447391, 26908613, 27391550). This variant is not present in population databases (gnomAD no frequency). This variant has not been reported in the literature in individuals affected with POMGNT1-related conditions. ClinVar contains an entry for this variant (Variation ID: 552342). Algorithms developed to predict the effect of sequence changes on RNA splicing suggest that this variant may disrupt the consensus splice site. In summary, the currently available evidence indicates that the variant is pathogenic, but additional data are needed to prove that conclusively. Therefore, this variant has been classified as Likely Pathogenic.

Women's Health and Genetics/Laboratory Corporation of America, LabCorp
Classification: Likely pathogenic for Autosomal recessive limb-girdle muscular dystrophy. Last evaluated: 2023-04-05. Review status: criteria provided, single submitter. Criteria: LabCorp Variant Classification Summary - May 2015. Collection method: clinical testing. Allele origin: germline.
Comment: Variant summary: POMGNT1 c.880-1G>A is located in a canonical splice-site and is predicted to affect mRNA splicing resulting in a significantly altered protein due to either exon skipping, shortening, or inclusion of intronic material. Several computational tools predict a significant impact on normal splicing: Four predict the variant abolishes a canonical 3' acceptor site, with three of them also predicting the variant creates a new cryptic exonic one. However, these predictions have yet to be confirmed by functional studies. The variant was absent in 251238 control chromosomes. To our knowledge, no occurrence of c.880-1G>A in individuals affected with Limb-Girdle Muscular Dystrophy, Autosomal Recessive and no experimental evidence demonstrating its impact on protein function have been reported. Three clinical diagnostic laboratories have submitted clinical-significance assessments for this variant to ClinVar after 2014 and classified the variant as likely pathogenic. Based on the evidence outlined above, the variant was classified as likely pathogenic.

Baylor Genetics
Classification: Pathogenic for Muscular dystrophy-dystroglycanopathy (congenital with brain and eye anomalies), type A3. Last evaluated: 2023-03-03. Review status: criteria provided, single submitter. Criteria: ACMG Guidelines, 2015. Collection method: clinical testing. Allele origin: unknown.

Blueprint Genetics
Classification: Likely pathogenic for POMGNT1-related disorders. Last evaluated: 2022-09-29. Review status: criteria provided, single submitter. Criteria: ACMG Guidelines, 2015. Collection method: clinical testing. Allele origin: germline. Affected: yes. Observed: 1 variant allele.

Mendelics
Classification: Likely pathogenic for Muscular dystrophy-dystroglycanopathy (congenital with brain and eye anomalies), type A3. Last evaluated: 2019-05-28. Review status: criteria provided, single submitter. Criteria: Mendelics Assertion Criteria 2017. Collection method: clinical testing. Allele origin: unknown.

PreventionGenetics, part of Exact Sciences
Classification: Likely pathogenic for POMGNT1-related condition. Last evaluated: 2024-07-16. Review status: no assertion criteria provided. Collection method: clinical testing. Allele origin: germline. Not counted in ClinVar's aggregate classification.
Comment: The POMGNT1 c.880-1G>A variant is predicted to disrupt the AG splice acceptor site and interfere with normal splicing. To our knowledge, this variant has not been reported in the literature or a large population database, indicating this variant is rare. Variants that disrupt the consensus splice acceptor site in POMGNT1 are expected to be pathogenic. This variant is interpreted as likely pathogenic.

Counsyl
Classification: Likely pathogenic for Muscular dystrophy-dystroglycanopathy (congenital with brain and eye anomalies), type A3. Last evaluated: 2017-06-06. Review status: no assertion criteria provided. Collection method: clinical testing. Allele origin: unknown. Not counted in ClinVar's aggregate classification.

Literature cited by the submitters: PubMed 16199547 (cited by Labcorp Genetics (formerly Invitae), Labcorp); PubMed 19299310 (cited by Labcorp Genetics (formerly Invitae), Labcorp); PubMed 20816175 (cited by Labcorp Genetics (formerly Invitae), Labcorp); PubMed 21447391 (cited by Labcorp Genetics (formerly Invitae), Labcorp); PubMed 26908613 (cited by Labcorp Genetics (formerly Invitae), Labcorp); PubMed 27391550 (cited by Labcorp Genetics (formerly Invitae), Labcorp).

NM_017739.4(POMGNT1):c.880-1G>A

Genes: POMGNT1 (protein O-linked mannose N-acetylglucosaminyltransferase 1 (beta 1,2-); minus strand), TSPAN1 (tetraspanin 1; plus strand). Cytogenetic location: 1p34.1.
Variant type: single nucleotide variant.
Coding change: c.880-1G>A on transcript NM_017739.4 (MANE Select); the canonical splice acceptor site of the intron before coding-DNA position 880, G replaced by A.
Molecular consequence: splice acceptor variant.
Genome position (GRCh38, 1-based): chr1:46,193,926, C>T on the plus strand (G>A on the coding strand, the complement: POMGNT1 is on the minus strand). VCF-style: chr1-46193926-C-T. GRCh37 (hg19) VCF-style: chr1-46659598-C-T.
Other names: c.880-1G>A (NM_001243766.1, NM_001243766.2, NM_001438686.1 and 4 more transcripts); c.814-1G>A (NM_001290129.3, NM_001438691.1, NM_001438692.1); c.451-1G>A (NM_001290130.2).
Identifiers: ClinVar variation 552342 (VCV000552342.13), dbSNP rs1317832573, ClinGen allele CA340182157.